The following is an entry in ClinVar:

NM_018117.12(WDR11):c.1497G>A (p.Val499=)

Gene: WDR11 (WD repeat domain 11; plus strand). Cytogenetic location: 10q26.12.
Variant type: single nucleotide variant.
Coding change: c.1497G>A on transcript NM_018117.12 (MANE Select); coding-DNA position 1497, G replaced by A.
Protein change: p.Val499=; no amino-acid change (valine 499 retained).
Molecular consequence: synonymous variant.
Genome position (GRCh38, 1-based): chr10:120,873,864, G>A. VCF-style: chr10-120873864-G-A. GRCh37 (hg19) VCF-style: chr10-122633376-G-A.
Other names: c.1497G>A (NM_018117.11).
Identifiers: ClinVar variation 2982464 (VCV002982464.18), dbSNP rs762823128, ClinGen allele CA5719745.

ClinVar aggregate classification (germline): Likely benign. Review status: criteria provided, multiple submitters, no conflicts (2 of 4 stars). 3 submissions from 3 submitters: Likely benign (2). 1 of the submissions does not count toward it. Last evaluated 2024-12-01.

Conditions:
WDR11-related disorder. Also called: WDR11-related condition.

Allele frequency attached by ClinVar (database versions not stated): gnomAD 0.00001; ExAC 0.00002; TOPMed 0.00003; gnomAD exomes 0.00004.
gnomAD v4.1: 56 of 1,613,166 alleles (0.0035%); highest among the groups gnomAD compares: Admixed American, 0.01%; no homozygotes.

Submissions (3):

CeGaT Center for Human Genetics Tuebingen
Classification: Likely benign. Last evaluated: 2024-12-01. Review status: criteria provided, single submitter. Criteria: CeGaT Center For Human Genetics Tuebingen Variant Classification Criteria Version 2. Collection method: clinical testing. Allele origin: germline. Affected: yes. Observed: 1 variant allele.
Comment: WDR11: BP4, BP7

Labcorp Genetics (formerly Invitae), Labcorp
Classification: Likely benign. Last evaluated: 2023-11-04. Review status: criteria provided, single submitter. Criteria: Invitae Variant Classification Sherloc (09022015). Collection method: clinical testing. Allele origin: germline.

PreventionGenetics, part of Exact Sciences
Classification: Likely benign for WDR11-related condition. Last evaluated: 2019-03-22. Review status: no assertion criteria provided. Collection method: clinical testing. Allele origin: germline. Not counted in ClinVar's aggregate classification.
Comment: This variant is classified as likely benign based on ACMG/AMP sequence variant interpretation guidelines (Richards et al. 2015 PMID: 25741868, with internal and published modifications).